The following is an entry in ClinVar:

ClinVar aggregate classification (germline): Likely benign (1 of 4 stars; one submission).

gnomAD v4.1: 1,022 of 1,609,264 alleles (0.064%); highest among the groups gnomAD compares: African/African-American, 1.2%; 8 homozygotes.

Submission:

CeGaT Center for Human Genetics Tuebingen
Classification: Likely benign. Last evaluated: 2026-01-01. Review status: criteria provided, single submitter. Criteria: CeGaT Center For Human Genetics Tuebingen Variant Classification Criteria Version 2. Collection method: clinical testing. Allele origin: germline. Affected: yes. Observed: 1 variant allele.
Comment: PIK3R5: BP4, BS1

NM_001142633.3(PIK3R5):c.2382+5G>A

Gene: PIK3R5 (phosphoinositide-3-kinase regulatory subunit 5; minus strand). Cytogenetic location: 17p13.1.
Variant type: single nucleotide variant.
Coding change: c.2382+5G>A on transcript NM_001142633.3 (MANE Select); 5 bases into the intron after coding-DNA position 2382, G replaced by A.
Molecular consequence: intron variant.
Genome position (GRCh38, 1-based): chr17:8,881,625, C>T on the plus strand (G>A on the coding strand, the complement: PIK3R5 is on the minus strand). VCF-style: chr17-8881625-C-T. GRCh37 (hg19) VCF-style: chr17-8784942-C-T.
Other names: c.1224+5G>A (NM_001251852.2, NM_001388397.1, NM_001251855.2 and 4 more transcripts); c.1221+5G>A (NM_001388400.1); c.2379+5G>A (NM_001388396.1); c.2382+5G>A (NM_014308.4).
Identifiers: ClinVar variation 4821374 (VCV004821374.4).